The following is an entry in ClinVar:

NM_000407.5(GP1BB):c.177G>A (p.Glu59=)

Genes: GP1BB (glycoprotein Ib platelet subunit beta; plus strand), SEPT5-GP1BB (SEPT5-GP1BB readthrough; plus strand). Cytogenetic location: 22q11.21.
Variant type: single nucleotide variant.
Coding change: c.177G>A on transcript NM_000407.5 (MANE Select); coding-DNA position 177, G replaced by A.
Protein change: p.Glu59=; no amino-acid change (glutamic acid 59 retained).
Molecular consequence: synonymous variant. On other transcripts: non-coding transcript variant (2).
Genome position (GRCh38, 1-based): chr22:19,724,020, G>A. VCF-style: chr22-19724020-G-A. GRCh37 (hg19) VCF-style: chr22-19711543-G-A.
Identifiers: ClinVar variation 3047263 (VCV003047263.3), dbSNP rs749912012, ClinGen allele CA10102327.

ClinVar aggregate classification (germline): Likely benign. Review status: criteria provided, single submitter (1 of 4 stars). 2 submissions from 2 submitters: Likely benign (1). 1 of the submissions does not count toward it. Last evaluated 2022-11-01.

Conditions:
GP1BB-related disorder. Also called: GP1BB-related condition.

Allele frequency attached by ClinVar (database versions not stated): TOPMed 0.00001; gnomAD 0.00003; ExAC 0.00022; 1000 Genomes Project 30x 0.00031.

Submissions (2):

Blueprint Genetics
Classification: Likely benign. Last evaluated: 2022-11-01. Review status: criteria provided, single submitter. Criteria: ACMG Guidelines, 2015. Collection method: clinical testing. Allele origin: germline.

PreventionGenetics, part of Exact Sciences
Classification: Likely benign for GP1BB-related condition. Last evaluated: 2022-02-07. Review status: no assertion criteria provided. Collection method: clinical testing. Allele origin: germline. Not counted in ClinVar's aggregate classification.
Comment: This variant is classified as likely benign based on ACMG/AMP sequence variant interpretation guidelines (Richards et al. 2015 PMID: 25741868, with internal and published modifications).